The following is an entry in ClinVar:

NM_030665.4(RAI1):c.4484G>A (p.Gly1495Glu)

Gene: RAI1 (retinoic acid induced 1; plus strand). Cytogenetic location: 17p11.2.
Variant type: single nucleotide variant.
Coding change: c.4484G>A on transcript NM_030665.4 (MANE Select); coding-DNA position 4484, G replaced by A.
Protein change: p.Gly1495Glu; replaces glycine 1495 with glutamic acid.
Molecular consequence: missense variant.
Genome position (GRCh38, 1-based): chr17:17,797,432, G>A. VCF-style: chr17-17797432-G-A. GRCh37 (hg19) VCF-style: chr17-17700746-G-A.
Other names: short protein forms G1495E.
Identifiers: ClinVar variation 1369975 (VCV001369975.6), dbSNP rs1445589549, ClinGen allele CA398556697.

ClinVar aggregate classification (germline): Uncertain significance (1 of 4 stars; one submission).

Allele frequency attached by ClinVar (database versions not stated): gnomAD exomes below 0.00001; TOPMed below 0.00001.

Submission:

Labcorp Genetics (formerly Invitae), Labcorp
Classification: Uncertain significance. Last evaluated: 2025-09-08. Review status: criteria provided, single submitter. Criteria: Invitae Variant Classification Sherloc (09022015). Collection method: clinical testing. Allele origin: germline.
Comment: This sequence change replaces glycine, which is neutral and non-polar, with glutamic acid, which is acidic and polar, at codon 1495 of the RAI1 protein (p.Gly1495Glu). This variant is not present in population databases (gnomAD no frequency). This variant has not been reported in the literature in individuals affected with RAI1-related conditions. ClinVar contains an entry for this variant (Variation ID: 1369975). Invitae Evidence Modeling of protein sequence and biophysical properties (such as structural, functional, and spatial information, amino acid conservation, physicochemical variation, residue mobility, and thermodynamic stability) indicates that this missense variant is not expected to disrupt RAI1 protein function with a negative predictive value of 80%. In summary, the available evidence is currently insufficient to determine the role of this variant in disease. Therefore, it has been classified as a Variant of Uncertain Significance.